The following is an entry in ClinVar:

NM_015272.5(RPGRIP1L):c.1103+5A>G

Gene: RPGRIP1L (RPGRIP1 like; minus strand). Cytogenetic location: 16q12.2.
Variant type: single nucleotide variant.
Coding change: c.1103+5A>G on transcript NM_015272.5 (MANE Select); 5 bases into the intron after coding-DNA position 1103, A replaced by G.
Molecular consequence: intron variant.
Genome position (GRCh38, 1-based): chr16:53,671,505, T>C on the plus strand (A>G on the coding strand, the complement: RPGRIP1L is on the minus strand). VCF-style: chr16-53671505-T-C. GRCh37 (hg19) VCF-style: chr16-53705417-T-C.
Other names: c.1103+5A>G (NM_001127897.4, NM_001330538.2, NM_001308334.3).
Identifiers: ClinVar variation 1492788 (VCV001492788.6), dbSNP rs773167560, ClinGen allele CA8057927.

ClinVar aggregate classification (germline): Uncertain significance. Review status: criteria provided, multiple submitters, no conflicts (2 of 4 stars). 2 submissions from 2 submitters: Uncertain significance (2). Last evaluated 2024-01-05.

Conditions:
Meckel-Gruber syndrome. Also called: DYSENCEPHALIA SPLANCHNOCYSTICA; GRUBER SYNDROME; Dysencephalia splachnocystica. Identifiers: Orphanet 564, MedGen C0265215, MONDO:0018921.
Joubert syndrome. Also called: CEREBELLOPARENCHYMAL DISORDER IV; JOUBERT-BOLTSHAUSER SYNDROME; Familial aplasia of the vermis. Identifiers: Orphanet 475, MedGen C5979921, MONDO:0018772.
Meckel syndrome, type 5 (MKS5). Identifiers: Orphanet 564, MedGen C1969052, MONDO:0012695, OMIM 611561.
Joubert syndrome 7 (JBTS7). Identifiers: Orphanet 220497, MedGen C1969053, MONDO:0012694, OMIM 611560.
COACH syndrome 3. Identifiers: MedGen C5436841, MONDO:0030862, OMIM 619113.

Allele frequency attached by ClinVar (database versions not stated): gnomAD exomes below 0.00001 and 0.00001; ExAC 0.00001; gnomAD 0.00001.
gnomAD v4.1: 8 of 1,556,830 alleles (0.00051%); highest among the groups gnomAD compares: Non-Finnish European, 0.00071%; no homozygotes.

Submissions (2):

Fulgent Genetics
Classification: Uncertain significance for Joubert syndrome 7; Meckel syndrome, type 5; COACH syndrome 3. Last evaluated: 2024-01-05. Review status: criteria provided, single submitter. Criteria: ACMG Guidelines, 2015. Collection method: clinical testing. Allele origin: germline.

Labcorp Genetics (formerly Invitae), Labcorp
Classification: Uncertain significance for Joubert syndrome; Meckel-Gruber syndrome. Last evaluated: 2021-08-13. Review status: criteria provided, single submitter. Criteria: Invitae Variant Classification Sherloc (09022015). Collection method: clinical testing. Allele origin: germline.
Comment: This sequence change falls in intron 9 of the RPGRIP1L gene. It does not directly change the encoded amino acid sequence of the RPGRIP1L protein. It affects a nucleotide within the consensus splice site of the intron. This variant is present in population databases (rs773167560, ExAC 0.002%). This variant has not been reported in the literature in individuals affected with RPGRIP1L-related conditions. Variants that disrupt the consensus splice site are a relatively common cause of aberrant splicing (PMID: 17576681, 9536098). Algorithms developed to predict the effect of sequence changes on RNA splicing suggest that this variant may create or strengthen a splice site. In summary, the available evidence is currently insufficient to determine the role of this variant in disease. Therefore, it has been classified as a Variant of Uncertain Significance.

Literature cited by the submitters: PubMed 17576681 (cited by Labcorp Genetics (formerly Invitae), Labcorp); PubMed 9536098 (cited by Labcorp Genetics (formerly Invitae), Labcorp).